The following is an entry in ClinVar:

NM_001385012.1(NBEA):c.3318A>G (p.Lys1106=)

Gene: NBEA (neurobeachin; plus strand). Cytogenetic location: 13q13.3.
Variant type: single nucleotide variant.
Coding change: c.3318A>G on transcript NM_001385012.1 (MANE Select); coding-DNA position 3318, A replaced by G.
Protein change: p.Lys1106=; no amino-acid change (lysine 1106 retained).
Molecular consequence: synonymous variant.
Genome position (GRCh38, 1-based): chr13:35,159,489, A>G. VCF-style: chr13-35159489-A-G. GRCh37 (hg19) VCF-style: chr13-35733626-A-G.
Other names: c.3318A>G, p.Lys1106= (NM_001379245.1, NM_015678.5).
Identifiers: ClinVar variation 3771700 (VCV003771700.13).

ClinVar aggregate classification (germline): Likely benign (1 of 4 stars; one submission).

gnomAD v4.1: 26 of 1,613,032 alleles (0.0016%); highest among the groups gnomAD compares: Non-Finnish European, 0.0022%; no homozygotes.

Submission:

CeGaT Center for Human Genetics Tuebingen
Classification: Likely benign. Last evaluated: 2025-02-01. Review status: criteria provided, single submitter. Criteria: CeGaT Center For Human Genetics Tuebingen Variant Classification Criteria Version 2. Collection method: clinical testing. Allele origin: germline. Affected: yes. Observed: 1 variant allele.
Comment: NBEA: BP4, BP7